The following is an entry in ClinVar:

NM_000722.4(CACNA2D1):c.589C>T (p.Arg197Cys)

Gene: CACNA2D1 (calcium voltage-gated channel auxiliary subunit alpha2delta 1; minus strand). Cytogenetic location: 7q21.11.
Variant type: single nucleotide variant.
Coding change: c.589C>T on transcript NM_000722.4 (MANE Select); coding-DNA position 589, C replaced by T.
Protein change: p.Arg197Cys; replaces arginine 197 with cysteine.
Molecular consequence: missense variant.
Genome position (GRCh38, 1-based): chr7:82,084,838, G>A on the plus strand (C>T on the coding strand, the complement: CACNA2D1 is on the minus strand). VCF-style: chr7-82084838-G-A. GRCh37 (hg19) VCF-style: chr7-81714154-G-A.
Other names: c.589C>T, p.Arg197Cys (NM_001302890.2, NM_001366867.1); short protein forms R197C.
Identifiers: ClinVar variation 3826698 (VCV003826698.1).

ClinVar aggregate classification (germline): Uncertain significance (1 of 4 stars; one submission).

Conditions:
Cardiovascular phenotype. Identifiers: MedGen CN230736.

Submission:

Ambry Genetics
Classification: Uncertain significance for Cardiovascular phenotype. Last evaluated: 2025-01-31. Review status: criteria provided, single submitter. Criteria: Ambry Variant Classification Scheme 2023. Collection method: clinical testing. Allele origin: germline.
Comment: The p.R197C variant (also known as c.589C>T), located in coding exon 7 of the CACNA2D1 gene, results from a C to T substitution at nucleotide position 589. The arginine at codon 197 is replaced by cysteine, an amino acid with highly dissimilar properties. This amino acid position is conserved. In addition, this alteration is predicted to be tolerated by in silico analysis. Based on the available evidence, the clinical significance of this variant remains unclear.